The following is an entry in ClinVar:

ClinVar aggregate classification (germline): Uncertain significance (1 of 4 stars; one submission).

Submission:

GeneDx
Classification: Uncertain significance. Last evaluated: 2024-10-03. Review status: criteria provided, single submitter. Criteria: GeneDx Variant Classification Process June 2021. Collection method: clinical testing. Allele origin: germline. Affected: yes.
Comment: Not observed at significant frequency in large population cohorts (gnomAD); In silico analysis indicates that this missense variant does not alter protein structure/function; Has not been previously published as pathogenic or benign to our knowledge

NM_003036.4(SKI):c.1467G>C (p.Arg489Ser)

Gene: SKI (SKI proto-oncogene; plus strand). Cytogenetic location: 1p36.32.
Variant type: single nucleotide variant.
Coding change: c.1467G>C on transcript NM_003036.4 (MANE Select); coding-DNA position 1467, G replaced by C.
Protein change: p.Arg489Ser; replaces arginine 489 with serine.
Molecular consequence: missense variant.
Genome position (GRCh38, 1-based): chr1:2,304,095, G>C. VCF-style: chr1-2304095-G-C. GRCh37 (hg19) VCF-style: chr1-2235534-G-C.
Other names: short protein forms R489S.
Identifiers: ClinVar variation 3776526 (VCV003776526.1).